The following continues an entry in ClinVar:

NM_007294.4(BRCA1):c.3770_3771del (p.Glu1257fs)

ClinVar aggregate classification (germline): Pathogenic. Pathogenic (1).

Submissions 9 to 22 of 43:

Ambry Genetics
Classification: Pathogenic for Hereditary cancer-predisposing syndrome. Last evaluated: 2024-11-20. Review status: criteria provided, single submitter. Criteria: Ambry Variant Classification Scheme 2023. Collection method: clinical testing. Allele origin: germline. Not counted in ClinVar's aggregate classification.
Comment: The c.3770_3771delAG pathogenic mutation, located in coding exon 9 of the BRCA1 gene, results from a deletion of two nucleotides at nucleotide positions 3770 to 3771, causing a translational frameshift with a predicted alternate stop codon (p.E1257Gfs*9). This mutation has been reported in multiple breast and ovarian cancer families to date (Couch FJ et al. Hum. Mutat., 1996;8:8-18; Liede A et al. Am. J. Hum. Genet., 2002 Sep;71:595-606; Blay P et al. BMC Cancer, 2013 May;13:243; Rashid MU et al. BMC Cancer, 2016 08;16:673; Shi T et al. Int J Cancer, 2017 05;140:2051-2059; Cock-Rada AM et al. Fam Cancer, 2018 01;17:23-30; Heramb C et al. Hered Cancer Clin Pract, 2018 Jan;16:3; Wen WX et al. J Med Genet, 2018 02;55:97-103; Rashid MU et al. Hered Cancer Clin Pract, 2019 Sep;17:27; Li JY et al. Int J Cancer, 2019 01;144:281-289; Ryu JM et al. Breast Cancer Res Treat, 2019 Jan;173:385-395; Deng M et al. Int J Cancer, 2019 09;145:1517-1528; Manchana T et al. World J Clin Oncol, 2019 Nov;10:358-368; Shao D et al. Cancer Sci, 2020 Feb;111:647-657; Meng H et al. Int J Cancer, 2020 06;146:3044-3052; Zeng C et al. Breast Cancer Res Treat, 2020 Jun;181:465-473; Dorling et al. N Engl J Med. 2021 02;384:428-439; Lerner-Ellis J et al. J Cancer Res Clin Oncol, 2021 Mar;147:871-879; Feng Z et al. Ann Transl Med, 2021 Mar;9:364). Of note, this alteration is also designated as 3889delAG in published literature. In addition to the clinical data presented in the literature, this alteration is expected to result in loss of function by premature protein truncation or nonsense-mediated mRNA decay. As such, this alteration is interpreted as a disease-causing mutation.

All of Us Research Program, National Institutes of Health
Classification: Pathogenic for BRCA1-related cancer predisposition. Last evaluated: 2024-07-10. Review status: criteria provided, single submitter. Criteria: ACMG Guidelines, 2015. Collection method: clinical testing. Allele origin: germline. Inheritance: Autosomal dominant inheritance. Observed: 1 variant allele, 1 heterozygote. Not counted in ClinVar's aggregate classification.
Comment: This variant deletes 2 nucleotides in exon 10 of the BRCA1 gene, creating a frameshift and premature translation stop signal. This variant is expected to result in an absent or non-functional protein product. This variant is also known as 3889delAG and 3888delGA in the literature according to the BIC nomenclature. This variant has been reported in over thirty individuals affected with breast and/or ovarian cancer (PMID: 18627636, 23479189, 23683081, 26026974, 26757417, 26824983, 27553291, 28176296, 28528518, 29339979, 31815095, 33471991, 33842585). This variant has been identified in 2/251226 chromosomes in the general population by the Genome Aggregation Database (gnomAD). Loss of BRCA1 function is a known mechanism of disease. Based on the available evidence, this variant is classified as Pathogenic.

This study involves interpretation of variants in research participants for the purpose of population health screening. Participant phenotype was not available at the time of variant classification. Additional details can be found in publication PMID: 35346344, PMCID: PMC8962531

Fulgent Genetics
Classification: Pathogenic for Breast-ovarian cancer, familial, susceptibility to, 1; Pancreatic cancer, susceptibility to, 4; Fanconi anemia, complementation group S. Last evaluated: 2024-06-08. Review status: criteria provided, single submitter. Criteria: ACMG Guidelines, 2015. Collection method: clinical testing. Allele origin: germline. Not counted in ClinVar's aggregate classification.

Clinical Genetics Laboratory, Skane University Hospital Lund
Classification: Pathogenic. Last evaluated: 2024-03-14. Review status: criteria provided, single submitter. Criteria: ACMG Guidelines, 2015. Collection method: clinical testing. Allele origin: germline. Affected: yes. Not counted in ClinVar's aggregate classification.

Color Diagnostics, LLC DBA Color Health
Classification: Pathogenic for Hereditary cancer-predisposing syndrome. Last evaluated: 2024-02-29. Review status: criteria provided, single submitter. Criteria: ACMG Guidelines, 2015. Collection method: clinical testing. Allele origin: germline. Not counted in ClinVar's aggregate classification.
Comment: This variant deletes 2 nucleotides in exon 10 of the BRCA1 gene, creating a frameshift and premature translation stop signal. This variant is expected to result in an absent or non-functional protein product. This variant is also known as 3889delAG and 3888delGA in the literature according to the BIC nomenclature. This variant has been reported in over thirty individuals affected with breast and/or ovarian cancer (PMID: 18627636, 23479189, 23683081, 26026974, 26757417, 26824983, 27553291, 28176296, 28528518, 29339979, 31815095, 33471991, 33842585). This variant has been identified in 2/251226 chromosomes in the general population by the Genome Aggregation Database (gnomAD). Loss of BRCA1 function is a known mechanism of disease. Based on the available evidence, this variant is classified as Pathogenic.

Baylor Genetics
Classification: Pathogenic for Breast-ovarian cancer, familial, susceptibility to, 1. Last evaluated: 2024-02-18. Review status: criteria provided, single submitter. Criteria: ACMG Guidelines, 2015. Collection method: clinical testing. Allele origin: unknown. Not counted in ClinVar's aggregate classification.

Women's Health and Genetics/Laboratory Corporation of America, LabCorp
Classification: Pathogenic for Hereditary breast ovarian cancer syndrome. Last evaluated: 2023-09-29. Review status: criteria provided, single submitter. Criteria: LabCorp Variant Classification Summary - May 2015. Collection method: clinical testing. Allele origin: germline. Not counted in ClinVar's aggregate classification.
Comment: Variant summary: BRCA1 c.3770_3771delAG (p.Glu1257GlyfsX9) results in a premature termination codon, predicted to cause absence of the protein due to nonsense mediated decay, which is a commonly known mechanism for disease. The variant allele was found at a frequency of 8e-06 in 251226 control chromosomes (gnomAD). c.3770_3771delAG has been reported in the literature in multiple individuals affected with Hereditary Breast And Ovarian Cancer Syndrome (Takahashi_1995, Judkins_2005, Hansa_2012, Thirthagiri_2008, Sun_2017). These data indicate that the variant is very likely to be associated with disease. The following publications have been ascertained in the context of this evaluation (PMID: 16267036, 18627636, 7606717, 23317271, 28724667). 21 submitters have cited clinical-significance assessments for this variant to ClinVar after 2014. All submitters classified the variant as pathogenic. Based on the evidence outlined above, the variant was classified as pathogenic.

KCCC/NGS Laboratory, Kuwait Cancer Control Center
Classification: Pathogenic for Breast-ovarian cancer, familial, susceptibility to, 1. Last evaluated: 2023-05-01. Review status: criteria provided, single submitter. Criteria: ACMG Guidelines, 2015. Collection method: clinical testing. Allele origin: germline. Inheritance: Autosomal dominant inheritance. Affected: yes. Observed: 1 heterozygote. Not counted in ClinVar's aggregate classification.
Comment: A known pathogenic mutation was detected in the BRCA1 gene(p.Glu1257fs).his sequence change creates a premature translational stop signal (p.Glu1257Glyfs*9) in the BRCA1 gene. It is expected to result in an absent or disrupted protein product. Loss-of-function variants in BRCA1 are known to be pathogenic (PMID: 20104584). This variant is present in population databases (rs80357993, gnomAD 0.003%). This premature translational stop signal has been observed in individual(s) with breast and ovarian cancer (PMID: 16683254, 17319787, 18627636, 23479189, 23683081). This variant is also known as 3890_3891delAG and 3889delAG. ClinVar contains an entry for this variant (Variation ID: 37546). For these reasons, this variant has been classified as Pathogenic. This variant was confirmed by Sanger sequencing.

Revvity Omics, Revvity
Classification: Pathogenic. Last evaluated: 2021-12-17. Review status: criteria provided, single submitter. Criteria: ACMG Guidelines, 2015. Collection method: clinical testing. Allele origin: germline. Not counted in ClinVar's aggregate classification.

Genetics Program, Instituto Nacional de Cancer
Classification: Pathogenic for Hereditary breast ovarian cancer syndrome. Last evaluated: 2021-11-01. Review status: criteria provided, single submitter. Criteria: ACMG Guidelines, 2015. Collection method: research. Allele origin: germline. Affected: yes. Not counted in ClinVar's aggregate classification.

Quest Diagnostics Nichols Institute San Juan Capistrano
Classification: Pathogenic. Last evaluated: 2021-04-21. Review status: criteria provided, single submitter. Criteria: Quest Diagnostics criteria. Collection method: clinical testing. Allele origin: unknown. Not counted in ClinVar's aggregate classification.
Comment: The BRCA1 c.3770_3771del (p.Glu1257Glyfs*9) variant alters the translational reading frame of the BRCA1 mRNA and causes the premature termination of BRCA1 protein synthesis. This variant has been reported in the published literature in individuals with breast or ovarian cancer (PMID: 23479189 (2013), 30972954 (2019), 31957001 (2020); BRCA Exchange). The frequency of this variant in the general population, 0.000087 (1/11484 chromosomes (Genome Aggregation Database)), is consistent with pathogenicity. Based on the available information, this variant is classified as pathogenic.

Human Genome Sequencing Center Clinical Lab, Baylor College of Medicine
Classification: Pathogenic for Familial breast-ovarian cancer 1. Last evaluated: 2018-10-08. Review status: criteria provided, single submitter. Criteria: ACMG Guidelines, 2015. Collection method: clinical testing. Allele origin: germline. Not counted in ClinVar's aggregate classification.
Comment: The c.3770_3771delAG (p.Glu1257Glyfs*9) variant in the BRCA1 gene is predicted to introduce a premature translation termination codon, which is predicted to result in nonsense-mediated mRNA decay. This variant has been reported in multiple patients with hereditary breast and ovarian cancer (PMID 7606717, 16683254, 17319787, 18627636, 23479189, 27553291). This variant has an extremely low frequency in large databases of genetic variation in the general population. Therefore, the c.3770_3771delAG (p.Glu1257Glyfs*9) variant in the BRCA1 gene is classified as pathogenic.

3DMed Clinical Laboratory Inc
Classification: Pathogenic for Ovarian cancer. Last evaluated: 2017-06-27. Review status: criteria provided, single submitter. Criteria: ACMG Guidelines, 2015. Collection method: clinical testing. Allele origin: germline. Affected: yes. Not counted in ClinVar's aggregate classification.

Genologica Medica
Classification: Pathogenic for Breast-ovarian cancer, familial, susceptibility to, 1. Last evaluated: 2017-01-01. Review status: criteria provided, single submitter. Criteria: ACMG Guidelines, 2015. Collection method: clinical testing. Allele origin: germline. Affected: yes. Not counted in ClinVar's aggregate classification.